The following is an entry in ClinVar:

NM_004525.3(LRP2):c.13126A>G (p.Asn4376Asp)

Gene: LRP2 (LDL receptor related protein 2; minus strand). Cytogenetic location: 2q31.1.
Variant type: single nucleotide variant.
Coding change: c.13126A>G on transcript NM_004525.3 (MANE Select); coding-DNA position 13126, A replaced by G.
Protein change: p.Asn4376Asp; replaces asparagine 4376 with aspartic acid.
Molecular consequence: missense variant.
Genome position (GRCh38, 1-based): chr2:169,140,528, T>C on the plus strand (A>G on the coding strand, the complement: LRP2 is on the minus strand). VCF-style: chr2-169140528-T-C. GRCh37 (hg19) VCF-style: chr2-169997038-T-C.
Other names: short protein forms N4376D.
Identifiers: ClinVar variation 4978625 (VCV004978625.1).
Genomic context (GRCh38, chr2:169,140,528, plus strand): 5'-GGTCAGTCTCATCAAAATAGCAATTTCCTCCGTGCATGCACCTGCATGGGGGGGGCAGGT[T>C]GATAGGCAGTTCGATGGCTGCAGGAAGGGAAAGCCATGCAGGTGTTAGTCAGCTGTACTC-3'
Protein context (NP_004516.2, residues 4366-4386): ECDAAIELPI[Asn4376Asp]LPPPCRCMHG

ClinVar aggregate classification (germline): Uncertain significance (1 of 4 stars; one submission).

Conditions:
LRP2-related disorder. Also called: LRP2-related condition.

gnomAD v4.1: 3 of 1,613,756 alleles (0.00019%); highest among the groups gnomAD compares: African/African-American, 0.0027%; no homozygotes.

Submission:

PreventionGenetics, part of Exact Sciences
Classification: Uncertain significance for LRP2-related condition. Last evaluated: 2026-07-23. Review status: criteria provided, single submitter. Criteria: ACMG Guidelines, 2015. Collection method: clinical testing. Allele origin: germline.
Comment: The LRP2 c.13126A>G variant is predicted to result in the amino acid substitution p.Asn4376Asp. To our knowledge, this variant has not been reported in the literature or in a large population database (gnomAD), indicating this variant is rare. At this time, the clinical significance of this variant is uncertain due to the absence of conclusive functional and genetic evidence.